The following is an entry in ClinVar:

NM_032119.4(ADGRV1):c.14905T>C (p.Trp4969Arg)

Gene: ADGRV1 (adhesion G protein-coupled receptor V1; plus strand). Cytogenetic location: 5q14.3.
Variant type: single nucleotide variant.
Coding change: c.14905T>C on transcript NM_032119.4 (MANE Select); coding-DNA position 14905, T replaced by C.
Protein change: p.Trp4969Arg; replaces tryptophan 4969 with arginine.
Molecular consequence: missense variant. On other transcripts: non-coding transcript variant (1).
Genome position (GRCh38, 1-based): chr5:90,807,670, T>C. VCF-style: chr5-90807670-T-C. GRCh37 (hg19) VCF-style: chr5-90103487-T-C.
Other names: p.W4969R:TGG>CGG; short protein forms W4969R.
Identifiers: ClinVar variation 46274 (VCV000046274.21), dbSNP rs7729495, ClinGen allele CA138038.

ClinVar aggregate classification (germline): Benign. Review status: criteria provided, multiple submitters, no conflicts (2 of 4 stars). 6 submissions from 6 submitters: Benign (5). 1 of the submissions does not count toward it. Last evaluated 2026-02-02.

Conditions:
Usher syndrome type 2C. Also called: Usher syndrome, type 2B; USHER SYNDROME, TYPE IIC. Identifiers: Orphanet 231178, Orphanet 886, MedGen C2931213, MONDO:0011558, OMIM 605472.

Allele frequency attached by ClinVar (database versions not stated): gnomAD 0.04586; ESP Exome Variant Server 0.05260; TOPMed 0.05367; 1000 Genomes Project 0.05471; 1000 Genomes Project 30x 0.05606.
gnomAD v4.1: 14,294 of 1,612,550 alleles (0.89%); highest among the groups gnomAD compares: African/African-American, 17%; 1,125 homozygotes.

Submissions (6):

Labcorp Genetics (formerly Invitae), Labcorp
Classification: Benign. Last evaluated: 2026-02-02. Review status: criteria provided, single submitter. Criteria: Invitae Variant Classification Sherloc (09022015). Collection method: clinical testing. Allele origin: germline.

Illumina Laboratory Services, Illumina
Classification: Benign for Usher syndrome type 2C. Last evaluated: 2018-01-13. Review status: criteria provided, single submitter. Criteria: ICSL Variant Classification Criteria 13 December 2019. Collection method: clinical testing. Allele origin: germline.
Comment: This variant was observed in the ICSL laboratory as part of a predisposition screen in an ostensibly healthy population. It had not been previously curated by ICSL or reported in the Human Gene Mutation Database (HGMD: prior to June 1st, 2018), and was therefore a candidate for classification through an automated scoring system. Utilizing variant allele frequency, disease prevalence and penetrance estimates, and inheritance mode, an automated score was calculated to assess if this variant is too frequent to cause the disease. Based on the score and internal cut-off values, a variant classified as benign is not then subjected to further curation. The score for this variant resulted in a classification of benign for this disease.

Athena Diagnostics
Classification: Benign. Last evaluated: 2017-08-30. Review status: criteria provided, single submitter. Criteria: Athena Diagnostics Criteria. Collection method: clinical testing. Allele origin: germline.

GeneDx
Classification: Benign. Last evaluated: 2013-05-02. Review status: criteria provided, single submitter. Criteria: GeneDx Variant Classification (06012015). Collection method: clinical testing. Allele origin: germline. Affected: yes.
Comment: This variant is considered likely benign or benign based on one or more of the following criteria: it is a conservative change, it occurs at a poorly conserved position in the protein, it is predicted to be benign by multiple in silico algorithms, and/or has population frequency not consistent with disease.

Laboratory for Molecular Medicine, Mass General Brigham Personalized Medicine
Classification: Benign. Last evaluated: 2012-05-14. Review status: criteria provided, single submitter. Criteria: LMM Criteria. Collection method: clinical testing. Allele origin: germline. Observed: 55 variant alleles.
Comment: Trp4969Arg in Exon 73 of GPR98: This variant is not expected to have clinical si gnificance because it has been identified in 16.6% (495/2990) of African America n chromosomes from a broad population by the NHLBI Exome Sequencing Project (dbSNP rs7729495).

Genetic Services Laboratory, University of Chicago
Classification: Likely benign. Review status: no assertion criteria provided. Collection method: clinical testing. Allele origin: germline. Inheritance: Autosomal dominant inheritance. Not counted in ClinVar's aggregate classification.
Comment: Likely benign based on allele frequency in 1000 Genomes Project or ESP global frequency and its presence in a patient with a rare or unrelated disease phenotype. NOT Sanger confirmed